The following is an entry in ClinVar:

NM_001291303.3(FAT4):c.6844-48A>G

Gene: FAT4 (FAT atypical cadherin 4; plus strand). Cytogenetic location: 4q28.1.
Variant type: single nucleotide variant.
Coding change: c.6844-48A>G on transcript NM_001291303.3 (MANE Select); 48 bases into the intron before coding-DNA position 6844, A replaced by G.
Molecular consequence: intron variant.
Genome position (GRCh38, 1-based): chr4:125,416,400, A>G. VCF-style: chr4-125416400-A-G. GRCh37 (hg19) VCF-style: chr4-126337555-A-G.
Other names: c.6844-48A>G (NM_001291285.3, NM_024582.6).
Identifiers: ClinVar variation 1233932 (VCV001233932.6), dbSNP rs7675556, ClinGen allele CA3073001.

ClinVar aggregate classification (germline): Benign. Review status: criteria provided, multiple submitters, no conflicts (2 of 4 stars). 3 submissions from 3 submitters: Benign (3). Last evaluated 2024-01-24.

Allele frequency attached by ClinVar (database versions not stated): 1000 Genomes Project 30x 0.98548; 1000 Genomes Project 0.98842; TOPMed 0.98902; gnomAD 0.99028 and 0.99072; ESP Exome Variant Server 0.99062; ExAC 0.99649; gnomAD exomes 0.99658.
gnomAD v4.1: 1,448,322 of 1,451,948 alleles (100%); highest among the groups gnomAD compares: East Asian, 100%; 722,385 homozygotes.

Submissions (3):

Unidad de Genómica Garrahan, Hospital de Pediatría Garrahan
Classification: Benign. Last evaluated: 2024-01-24. Review status: criteria provided, single submitter. Criteria: ACMG Guidelines, 2015. Collection method: clinical testing. Allele origin: germline. Affected: no. Observed: 93 variant alleles.
Comment: This variant is classified as Benign based on local population frequency. This variant was detected in 98% of patients studied by a panel of primary immunodeficiencies. Number of patients: 93. Only high quality variants are reported.

GeneDx
Classification: Benign. Last evaluated: 2018-06-26. Review status: criteria provided, single submitter. Criteria: GeneDx Variant Classification Process June 2021. Collection method: clinical testing. Allele origin: germline. Affected: yes.

Breakthrough Genomics
Classification: Benign. Review status: criteria provided, single submitter. Criteria: ACMG Guidelines, 2015. Collection method: not provided. Allele origin: germline. Inheritance: Autosomal recessive inheritance. Affected: yes.